The following is an entry in ClinVar:

ClinVar aggregate classification (germline): Benign/Likely benign. Review status: criteria provided, multiple submitters, no conflicts (2 of 4 stars). 3 submissions from 3 submitters: Benign (1); Likely benign (2). Last evaluated 2023-07-01.

Conditions:
Spinocerebellar ataxia type 28 (SCA28). Also called: Spinocerebellar Ataxia Type 28 (SCA28). Identifiers: Orphanet 101109, MedGen C1853249, MONDO:0012450, OMIM 610246.

Allele frequency attached by ClinVar (database versions not stated): 1000 Genomes Project 0.00100; 1000 Genomes Project 30x 0.00219; ExAC 0.00389; gnomAD exomes 0.00461; TOPMed 0.00537; gnomAD 0.00557 and 0.00605.
gnomAD v4.1: 8,847 of 1,203,296 alleles (0.74%); highest among the groups gnomAD compares: Non-Finnish European, 0.88%; 58 homozygotes.

Submissions (3):

CeGaT Center for Human Genetics Tuebingen
Classification: Likely benign. Last evaluated: 2023-07-01. Review status: criteria provided, single submitter. Criteria: CeGaT Center For Human Genetics Tuebingen Variant Classification Criteria Version 2. Collection method: clinical testing. Allele origin: germline. Affected: yes. Observed: 9 variant alleles.
Comment: AFG3L2: BS2

GeneDx
Classification: Likely benign. Last evaluated: 2019-11-26. Review status: criteria provided, single submitter. Criteria: GeneDx Variant Classification Process June 2021. Collection method: clinical testing. Allele origin: germline. Affected: yes.

Illumina Laboratory Services, Illumina
Classification: Benign for Spinocerebellar ataxia type 28. Last evaluated: 2018-01-12. Review status: criteria provided, single submitter. Criteria: ICSL Variant Classification Criteria 13 December 2019. Collection method: clinical testing. Allele origin: germline.
Comment: This variant was observed in the ICSL laboratory as part of a predisposition screen in an ostensibly healthy population. It had not been previously curated by ICSL or reported in the Human Gene Mutation Database (HGMD: prior to June 1st, 2018), and was therefore a candidate for classification through an automated scoring system. Utilizing variant allele frequency, disease prevalence and penetrance estimates, and inheritance mode, an automated score was calculated to assess if this variant is too frequent to cause the disease. Based on the score and internal cut-off values, a variant classified as benign is not then subjected to further curation. The score for this variant resulted in a classification of benign for this disease.

NM_006796.3(AFG3L2):c.-71C>T

Gene: AFG3L2 (AFG3 like matrix AAA peptidase subunit 2; minus strand). Cytogenetic location: 18p11.21.
Variant type: single nucleotide variant.
Coding change: c.-71C>T on transcript NM_006796.3 (MANE Select); 71 bases upstream of the start codon, C replaced by T.
Molecular consequence: 5 prime UTR variant.
Genome position (GRCh38, 1-based): chr18:12,377,153, G>A on the plus strand (C>T on the coding strand, the complement: AFG3L2 is on the minus strand). VCF-style: chr18-12377153-G-A. GRCh37 (hg19) VCF-style: chr18-12377152-G-A.
Identifiers: ClinVar variation 326118 (VCV000326118.39), dbSNP rs571340907, ClinGen allele CA8896865.